The following is an entry in ClinVar:

ClinVar aggregate classification (germline): Uncertain significance. Review status: criteria provided, multiple submitters, no conflicts (2 of 4 stars). 5 submissions from 5 submitters: Uncertain significance (5). Last evaluated 2025-10-08.

Conditions:
Inborn genetic diseases. Identifiers: MedGen C0950123, MeSH D030342.
Developmental and epileptic encephalopathy, 18 (DEE18). Also called: Early infantile epileptic encephalopathy 18. Identifiers: Orphanet 369894, MedGen C3809624, MONDO:0014201, OMIM 615476.

Allele frequency attached by ClinVar (database versions not stated): ExAC 0.00001; gnomAD exomes 0.00001 and 0.00002; gnomAD 0.00002 and 0.00003; TOPMed 0.00004.

Submissions (5):

GeneDx
Classification: Uncertain significance. Last evaluated: 2025-10-08. Review status: criteria provided, single submitter. Criteria: GeneDx Variant Classification Process June 2021. Collection method: clinical testing. Allele origin: germline.
Comment: Not observed at significant frequency in large population cohorts (gnomAD); In silico analysis suggests that this missense variant does not alter protein structure/function; Has not been previously published as pathogenic or benign to our knowledge

CeGaT Center for Human Genetics Tuebingen
Classification: Uncertain significance. Last evaluated: 2024-04-01. Review status: criteria provided, single submitter. Criteria: CeGaT Center For Human Genetics Tuebingen Variant Classification Criteria Version 2. Collection method: clinical testing. Allele origin: germline. Affected: yes. Observed: 1 variant allele.
Comment: SZT2: PM2, BP4

Genome-Nilou Lab
Classification: Uncertain significance for Developmental and epileptic encephalopathy, 18. Last evaluated: 2023-04-11. Review status: criteria provided, single submitter. Criteria: ACMG Guidelines, 2015. Collection method: clinical testing. Allele origin: germline. Affected: no.

Labcorp Genetics (formerly Invitae), Labcorp
Classification: Uncertain significance. Last evaluated: 2022-08-15. Review status: criteria provided, single submitter. Criteria: Invitae Variant Classification Sherloc (09022015). Collection method: clinical testing. Allele origin: germline.
Comment: In summary, the available evidence is currently insufficient to determine the role of this variant in disease. Therefore, it has been classified as a Variant of Uncertain Significance. Algorithms developed to predict the effect of missense changes on protein structure and function are either unavailable or do not agree on the potential impact of this missense change (SIFT: "Tolerated"; PolyPhen-2: "Probably Damaging"; Align-GVGD: "Class C0"). ClinVar contains an entry for this variant (Variation ID: 837529). This variant has not been reported in the literature in individuals affected with SZT2-related conditions. This variant is present in population databases (rs780973584, gnomAD 0.006%). This sequence change replaces arginine, which is basic and polar, with glutamine, which is neutral and polar, at codon 2549 of the SZT2 protein (p.Arg2549Gln).

Ambry Genetics
Classification: Uncertain significance for Inborn genetic diseases. Last evaluated: 2020-12-28. Review status: criteria provided, single submitter. Criteria: Ambry Variant Classification Scheme 2023. Collection method: clinical testing. Allele origin: germline.
Comment: The c.7646G>A (p.R2549Q) alteration is located in exon 55 (coding exon 55) of the SZT2 gene. This alteration results from a G to A substitution at nucleotide position 7646, causing the arginine (R) at amino acid position 2549 to be replaced by a glutamine (Q). The p.R2549Q alteration is predicted to be tolerated by in silico analysis. Based on insufficient or conflicting evidence, the clinical significance of this alteration remains unclear.

NM_001365999.1(SZT2):c.7817G>A (p.Arg2606Gln)

Gene: SZT2 (SZT2 subunit of KICSTOR complex; plus strand). Cytogenetic location: 1p34.2.
Variant type: single nucleotide variant.
Coding change: c.7817G>A on transcript NM_001365999.1 (MANE Select); coding-DNA position 7817, G replaced by A.
Protein change: p.Arg2606Gln; replaces arginine 2606 with glutamine.
Molecular consequence: missense variant.
Genome position (GRCh38, 1-based): chr1:43,442,074, G>A. VCF-style: chr1-43442074-G-A. GRCh37 (hg19) VCF-style: chr1-43907745-G-A.
Other names: c.7646G>A, p.Arg2549Gln (NM_015284.4); short protein forms R2549Q, R2606Q.
Identifiers: ClinVar variation 837529 (VCV000837529.33), dbSNP rs780973584, ClinGen allele CA810350.
Genomic context (GRCh38, chr1:43,442,074, plus strand): 5'-AGATCTTCGGCCCTTGTTCCCCTGGGCAACTGGGCCCCTCTCCCCGCCCTGCAGCTGAGC[G>A]GCATCTGCTGCTTCTGGGAAGGAACTTCTTGCAGTGGAGGAGACCAACACAGCAGGGTGA-3'
Protein context (NP_001352928.1, residues 2596-2616): LGPSPRPAAE[Arg2606Gln]HLLLLGRNFL